The following is an entry in ClinVar:

ClinVar aggregate classification (germline): Uncertain significance (1 of 4 stars; one submission).

Submission:

Labcorp Genetics (formerly Invitae), Labcorp
Classification: Uncertain significance. Last evaluated: 2022-07-19. Review status: criteria provided, single submitter. Criteria: Invitae Variant Classification Sherloc (09022015). Collection method: clinical testing. Allele origin: germline.
Comment: This variant is present in population databases (rs764653113, gnomAD 0.0009%). This variant, c.10123_10125del, results in the deletion of 1 amino acid(s) of the SZT2 protein (p.Leu3375*), but otherwise preserves the integrity of the reading frame. This variant has not been reported in the literature in individuals affected with SZT2-related conditions. In summary, the available evidence is currently insufficient to determine the role of this variant in disease. Therefore, it has been classified as a Variant of Uncertain Significance. Experimental studies and prediction algorithms are not available or were not evaluated, and the functional significance of this variant is currently unknown.

NM_001365999.1(SZT2):c.10291CTC[1] (p.Leu3432del)

Gene: SZT2 (SZT2 subunit of KICSTOR complex; plus strand). Cytogenetic location: 1p34.2.
Variant type: Microsatellite.
Coding change: c.10291CTC[1] on transcript NM_001365999.1 (MANE Select); one copy of the 3-base unit CTC starting at c.10291; the reference has two copies in a row; one copy, 3 bases deleted.
Protein change: p.Leu3432del; deletes leucine 3432.
Molecular consequence: inframe deletion.
Genome position (GRCh38, 1-based): chr1:43,450,475-43,450,477, CTC deleted; deleting any 3 consecutive bases within chr1:43,450,471-43,450,477 gives the same sequence; the position shown is the placement nearest the transcript's 3' end. VCF-style (leftmost placement, unchanged base first): chr1-43450470-GCCT-G. GRCh37 (hg19) VCF-style: chr1-43916141-GCCT-G.
Other names: c.10120CTC[1], p.Leu3375del (NM_015284.4); short protein forms L3375del, L3432del.
Identifiers: ClinVar variation 1376043 (VCV001376043.6), dbSNP rs764653113, ClinGen allele CA811139.
Genomic context (GRCh38, chr1:43,450,470, plus strand): 5'-TCTCCACCTACCACCACCTGGAGTCTGTCATCAACACAGCCTGTTTCACCCTCTGGACCC[GCCT>G]CCTCTGAGGGAGTGGACTGGACCACTGAATGTCACTGTTCCTTGAATCATGGGCCTACCA-3'